The following is an entry in ClinVar:

ClinVar aggregate classification (germline): Uncertain significance (1 of 4 stars; one submission).

Allele frequency attached by ClinVar (database versions not stated): TOPMed below 0.00001.
gnomAD v4.1: 2 of 1,551,186 alleles (0.00013%); highest among the groups gnomAD compares: Non-Finnish European, 0.00017%; no homozygotes.

Submission:

Labcorp Genetics (formerly Invitae), Labcorp
Classification: Uncertain significance. Last evaluated: 2020-07-07. Review status: criteria provided, single submitter. Criteria: Invitae Variant Classification Sherloc (09022015). Collection method: clinical testing. Allele origin: germline.
Comment: This sequence change replaces proline with threonine at codon 1489 of the COL27A1 protein (p.Pro1489Thr). The proline residue is highly conserved and there is a small physicochemical difference between proline and threonine. This variant is not present in population databases (ExAC no frequency). This variant has not been reported in the literature in individuals with COL27A1-related conditions. In summary, the available evidence is currently insufficient to determine the role of this variant in disease. Therefore, it has been classified as a Variant of Uncertain Significance.

NM_032888.4(COL27A1):c.4465C>A (p.Pro1489Thr)

Gene: COL27A1 (collagen type XXVII alpha 1 chain; plus strand). Cytogenetic location: 9q32.
Variant type: single nucleotide variant.
Coding change: c.4465C>A on transcript NM_032888.4 (MANE Select); coding-DNA position 4465, C replaced by A.
Protein change: p.Pro1489Thr; replaces proline 1489 with threonine.
Molecular consequence: missense variant.
Genome position (GRCh38, 1-based): chr9:114,290,906, C>A. VCF-style: chr9-114290906-C-A. GRCh37 (hg19) VCF-style: chr9-117053186-C-A.
Other names: short protein forms P1489T.
Identifiers: ClinVar variation 1925887 (VCV001925887.2), dbSNP rs1827865774, ClinGen allele CA374588640.